The following is an entry in ClinVar:

NM_004990.4(MARS1):c.1802G>C (p.Gly601Ala)

Gene: MARS1 (methionyl-tRNA synthetase 1; plus strand). Cytogenetic location: 12q13.3.
Variant type: single nucleotide variant.
Coding change: c.1802G>C on transcript NM_004990.4 (MANE Select); coding-DNA position 1802, G replaced by C.
Protein change: p.Gly601Ala; replaces glycine 601 with alanine.
Molecular consequence: missense variant.
Genome position (GRCh38, 1-based): chr12:57,512,799, G>C. VCF-style: chr12-57512799-G-C. GRCh37 (hg19) VCF-style: chr12-57906582-G-C.
Other names: short protein forms G601A.
Identifiers: ClinVar variation 1681758 (VCV001681758.8), dbSNP rs2140034963, ClinGen allele CA385462929.

ClinVar aggregate classification (germline): Uncertain significance (1 of 4 stars; one submission).

Conditions:
Severe early-onset pulmonary alveolar proteinosis due to MARS deficiency. Also called: PULMONARY ALVEOLAR PROTEINOSIS, REUNION ISLAND; Interstitial lung and liver disease. Identifiers: Orphanet 440427, MedGen C4225400, MONDO:0014206, OMIM 615486.
Charcot-Marie-Tooth disease axonal type 2U. Also called: CHARCOT-MARIE-TOOTH NEUROPATHY, TYPE 2U; CHARCOT-MARIE-TOOTH DISEASE, AXONAL, AUTOSOMAL DOMINANT, TYPE 2U. Identifiers: Orphanet 397735, MedGen C4084821, MONDO:0014566, OMIM 616280.

Submission:

Labcorp Genetics (formerly Invitae), Labcorp
Classification: Uncertain significance for Charcot-Marie-Tooth disease axonal type 2U; Severe early-onset pulmonary alveolar proteinosis due to MARS deficiency. Last evaluated: 2021-04-05. Review status: criteria provided, single submitter. Criteria: Invitae Variant Classification Sherloc (09022015). Collection method: clinical testing. Allele origin: germline.
Comment: This sequence change replaces glycine with alanine at codon 601 of the MARS protein (p.Gly601Ala). The glycine residue is highly conserved and there is a small physicochemical difference between glycine and alanine. In summary, the available evidence is currently insufficient to determine the role of this variant in disease. Therefore, it has been classified as a Variant of Uncertain Significance. Algorithms developed to predict the effect of missense changes on protein structure and function (SIFT, PolyPhen-2, Align-GVGD) all suggest that this variant is likely to be disruptive, but these predictions have not been confirmed by published functional studies and their clinical significance is uncertain. This variant has not been reported in the literature in individuals with MARS-related conditions. This variant is not present in population databases (ExAC no frequency).